The following is an entry in ClinVar:

NM_001378418.1(TCF20):c.976C>G (p.Gln326Glu)

Gene: TCF20 (transcription factor 20; minus strand). Cytogenetic location: 22q13.2.
Variant type: single nucleotide variant.
Coding change: c.976C>G on transcript NM_001378418.1 (MANE Select); coding-DNA position 976, C replaced by G.
Protein change: p.Gln326Glu; replaces glutamine 326 with glutamic acid.
Molecular consequence: missense variant.
Genome position (GRCh38, 1-based): chr22:42,214,330, G>C on the plus strand (C>G on the coding strand, the complement: TCF20 is on the minus strand). VCF-style: chr22-42214330-G-C. GRCh37 (hg19) VCF-style: chr22-42610336-G-C.
Other names: c.976C>G, p.Gln326Glu (NM_005650.4, NM_181492.3); short protein forms Q326E.
Identifiers: ClinVar variation 2868220 (VCV002868220.3), dbSNP rs199593552, ClinGen allele CA10267251.
Genomic context (GRCh38, chr22:42,214,330, plus strand): 5'-GCCCCACTTGGCTTTGCAGGGGCAGCTTGGTGGCAGCGTTAGTATACTGCATCACATGCT[G>C]AGAAGGGTGTTGTTGTTGCTGCGGTTGCTGCTGCTGCTGCCCCTGTTGGGTCCCTTGTGG-3'
Protein context (NP_001365347.1, residues 316-336): QQPQQQQHPS[Gln326Glu]HVMQYTNAAT

ClinVar aggregate classification (germline): Uncertain significance (1 of 4 stars; one submission).

Allele frequency attached by ClinVar (database versions not stated): ExAC 0.00001; gnomAD 0.00001; TOPMed 0.00001; 1000 Genomes Project 0.00020; 1000 Genomes Project 30x 0.00031.
gnomAD v4.1: 2 of 1,614,250 alleles (0.00012%); highest among the groups gnomAD compares: Admixed American, 0.0017%; no homozygotes.

Submission:

Labcorp Genetics (formerly Invitae), Labcorp
Classification: Uncertain significance. Last evaluated: 2023-02-24. Review status: criteria provided, single submitter. Criteria: Invitae Variant Classification Sherloc (09022015). Collection method: clinical testing. Allele origin: germline.
Comment: This sequence change replaces glutamine, which is neutral and polar, with glutamic acid, which is acidic and polar, at codon 326 of the TCF20 protein (p.Gln326Glu). This variant is present in population databases (rs199593552, gnomAD 0.003%). This variant has not been reported in the literature in individuals affected with TCF20-related conditions. An algorithm developed to predict the effect of missense changes on protein structure and function (PolyPhen-2) suggests that this variant is likely to be tolerated. In summary, the available evidence is currently insufficient to determine the role of this variant in disease. Therefore, it has been classified as a Variant of Uncertain Significance.